The following is an entry in ClinVar:

ClinVar aggregate classification (germline): Pathogenic. Review status: criteria provided, multiple submitters, no conflicts (2 of 4 stars). 2 submissions from 2 submitters: Pathogenic (2). Last evaluated 2020-08-24.

Conditions:
Cerebral cavernous malformation (CCM). Also called: Cerebral cavernous malformations; CAVERNOUS ANGIOMA, FAMILIAL; CAVERNOUS ANGIOMATOUS MALFORMATIONS; CEREBRAL CAPILLARY MALFORMATIONS; Cavernous Hemangioma of Brain; Cerebral cavernous hemangioma (type). Identifiers: Orphanet 221061, MedGen C2919945, MONDO:0000820, OMIM 116860, HP:0033522.

Submissions (2):

GeneDx
Classification: Pathogenic. Last evaluated: 2020-08-24. Review status: criteria provided, single submitter. Criteria: GeneDx Variant Classification Process June 2021. Collection method: clinical testing. Allele origin: germline. Affected: yes.
Comment: Frameshift variant predicted to result in protein truncation or nonsense mediated decay in a gene for which loss-of-function is a known mechanism of disease; Not observed in large population cohorts (Lek et al., 2016); Has been reported previously as a novel variant, but no additional information was provided such as the phenotype of the individual with this variant or the segregation (Limaye et al., 2007); This variant is associated with the following publications: (PMID: 18383588)

Labcorp Genetics (formerly Invitae), Labcorp
Classification: Pathogenic for Cerebral cavernous malformation. Last evaluated: 2020-03-04. Review status: criteria provided, single submitter. Criteria: Invitae Variant Classification Sherloc (09022015). Collection method: clinical testing. Allele origin: germline.
Comment: This variant is not present in population databases (ExAC no frequency). This sequence change creates a premature translational stop signal (p.Ser313Phefs*7) in the KRIT1 gene. It is expected to result in an absent or disrupted protein product. This variant has been observed in an individual affected with cerebral cavernous malformation (PMID: 18383588). ClinVar contains an entry for this variant (Variation ID: 503945). Loss-of-function variants in KRIT1 are known to be pathogenic (PMID: 10508515, 11222804, 12404106, 24689081). For these reasons, this variant has been classified as Pathogenic.

Literature cited by the submitters: PubMed 18383588 (cited by Labcorp Genetics (formerly Invitae), Labcorp); PubMed 10508515 (cited by Labcorp Genetics (formerly Invitae), Labcorp); PubMed 11222804 (cited by Labcorp Genetics (formerly Invitae), Labcorp); PubMed 12404106 (cited by Labcorp Genetics (formerly Invitae), Labcorp); PubMed 24689081 (cited by Labcorp Genetics (formerly Invitae), Labcorp).

NM_194454.3(KRIT1):c.937dup (p.Ser313fs)

Gene: KRIT1 (KRIT1 ankyrin repeat containing; minus strand). Cytogenetic location: 7q21.2.
Variant type: Duplication.
Coding change: c.937dup on transcript NM_194454.3 (MANE Select); coding-DNA position 937, one base duplicated (T; older notation c.937dupT).
Protein change: p.Ser313fs; shifts the reading frame from serine 313.
Molecular consequence: frameshift variant. On other transcripts: intron variant (3).
Genome position (GRCh38, 1-based): chr7:92,234,501, A duplicated on the plus strand (T on the coding strand, the reverse complement: KRIT1 is on the minus strand); the first of 4 consecutive A bases (chr7:92,234,501-92,234,504); duplicating any one gives the same sequence. VCF-style (leftmost placement, unchanged base first): chr7-92234500-G-GA. GRCh37 (hg19) VCF-style: chr7-91863814-G-GA.
Other names: c.937dupT (NM_194456.1); c.223dup, p.Ser75fs (NM_001350671.1); c.937dup, p.Ser313fs (NM_001350672.1, NM_001350673.1, NM_001350674.1 and 26 more transcripts); c.845+307dup (NM_001350669.1, NM_001013406.2, NM_001350670.1); short protein forms S313fs, S75fs.
Identifiers: ClinVar variation 503945 (VCV000503945.13), dbSNP rs1554527032, ClinGen allele CA658796970.